The following is an entry in ClinVar:

NM_000062.3(SERPING1):c.462C>G (p.Tyr154Ter)

Gene: SERPING1 (serpin family G member 1; plus strand). Cytogenetic location: 11q12.1.
Variant type: single nucleotide variant.
Coding change: c.462C>G on transcript NM_000062.3 (MANE Select); coding-DNA position 462, C replaced by G.
Protein change: p.Tyr154Ter; replaces tyrosine 154 with a stop codon.
Molecular consequence: nonsense.
Genome position (GRCh38, 1-based): chr11:57,600,289, C>G. VCF-style: chr11-57600289-C-G. GRCh37 (hg19) VCF-style: chr11-57367762-C-G.
Other names: c.462C>G, p.Tyr154Ter (NM_001032295.2); short protein forms Y154*.
Identifiers: ClinVar variation 2735608 (VCV002735608.3), dbSNP rs371834047, ClinGen allele CA380695417.

ClinVar aggregate classification (germline): Pathogenic (1 of 4 stars; one submission).

Submission:

Labcorp Genetics (formerly Invitae), Labcorp
Classification: Pathogenic. Last evaluated: 2022-11-10. Review status: criteria provided, single submitter. Criteria: Invitae Variant Classification Sherloc (09022015). Collection method: clinical testing. Allele origin: germline.
Comment: This sequence change creates a premature translational stop signal (p.Tyr154*) in the SERPING1 gene. It is expected to result in an absent or disrupted protein product. Loss-of-function variants in SERPING1 are known to be pathogenic (PMID: 11112899, 24456027). This variant is not present in population databases (gnomAD no frequency). This premature translational stop signal has been observed in individual(s) with hereditary angioedema (PMID: 15971231). For these reasons, this variant has been classified as Pathogenic.

Literature cited by the submitters: PubMed 11112899; PubMed 24456027; PubMed 15971231.